The following is an entry in ClinVar:

NM_001267550.2(TTN):c.102519C>T (p.Gly34173=)

Genes: TTN (titin; minus strand), TTN-AS1 (TTN antisense RNA 1; plus strand). Cytogenetic location: 2q31.2.
Variant type: single nucleotide variant.
Coding change: c.102519C>T on transcript NM_001267550.2 (MANE Select); coding-DNA position 102519, C replaced by T.
Protein change: p.Gly34173=; no amino-acid change (glycine 34173 retained).
Molecular consequence: synonymous variant.
Genome position (GRCh38, 1-based): chr2:178,534,096, G>A on the plus strand (C>T on the coding strand, the complement: TTN is on the minus strand). VCF-style: chr2-178534096-G-A. GRCh37 (hg19) VCF-style: chr2-179398823-G-A.
Other names: p.G32532G:GGC>GGT; p.Gly31605=; c.97596C>T, p.Gly32532= (NM_001256850.1); c.75324C>T, p.Gly25108= (NM_003319.4); c.94815C>T, p.Gly31605= (NM_133378.4); c.75699C>T, p.Gly25233= (NM_133432.3); c.75900C>T, p.Gly25300= (NM_133437.4).
Identifiers: ClinVar variation 47650 (VCV000047650.33), dbSNP rs2857265, ClinGen allele CA284259.

ClinVar aggregate classification (germline): Benign. Review status: criteria provided, multiple submitters, no conflicts (2 of 4 stars). 20 submissions from 13 submitters: Benign (20). Last evaluated 2026-02-04.

Conditions:
Dilated cardiomyopathy 1G (CMD1G). Identifiers: Orphanet 154, MedGen C1858763, MONDO:0011400, OMIM 604145.
Autosomal recessive limb-girdle muscular dystrophy type 2J (LGMDR10). Also called: MUSCULAR DYSTROPHY, LIMB-GIRDLE, AUTOSOMAL RECESSIVE 10; Limb-girdle muscular dystrophy, type 2J. Identifiers: Orphanet 140922, MedGen C1837342, MONDO:0012127, OMIM 608807.
Cardiovascular phenotype. Identifiers: MedGen CN230736.
Early-onset myopathy with fatal cardiomyopathy (CMYO5). Also called: CONGENITAL MYOPATHY 5 WITH CARDIOMYOPATHY; Salih Myopathy. Identifiers: Orphanet 289377, MedGen C2673677, MONDO:0012714, OMIM 611705. Disease mechanism: loss of function.
Myopathy, myofibrillar, 9, with early respiratory failure (MFM9). Also called: Myopathy, distal, with early respiratory failure, autosomal dominant; Hereditary myopathy with early respiratory failure; MYOPATHY, PROXIMAL, WITH EARLY RESPIRATORY MUSCLE INVOLVEMENT; EDSTROM MYOPATHY. Identifiers: Orphanet 178464, Orphanet 34521, MedGen C1863599, MONDO:0011362, OMIM 603689.
Tibial muscular dystrophy (TMD). Also called: Udd Distal Myopathy – Tibial Muscular Dystrophy; Tibial muscular dystrophy, tardive; UDD MYOPATHY. Identifiers: Orphanet 609, MedGen C1838244, MONDO:0010870, OMIM 600334.

Allele frequency attached by ClinVar (database versions not stated): TOPMed 0.16067; 1000 Genomes Project 0.23203; gnomAD 0.15539 and 0.16031; gnomAD exomes 0.15593 and 0.18168; ExAC 0.18234; 1000 Genomes Project 30x 0.22626; ESP Exome Variant Server 0.14487.
gnomAD v4.1: 253,349 of 1,613,738 alleles (16%); highest among the groups gnomAD compares: East Asian, 43%; 22,711 homozygotes.

Submissions (20):

Labcorp Genetics (formerly Invitae), Labcorp
Classification: Benign for Dilated cardiomyopathy 1G; Autosomal recessive limb-girdle muscular dystrophy type 2J. Last evaluated: 2026-02-04. Review status: criteria provided, single submitter. Criteria: Invitae Variant Classification Sherloc (09022015). Collection method: clinical testing. Allele origin: germline.

Molecular Diagnostic Laboratory for Inherited Cardiovascular Disease, Montreal Heart Institute
Classification: Benign. Last evaluated: 2025-04-09. Review status: criteria provided, single submitter. Criteria: ACMG Guidelines, 2015. Collection method: clinical testing. Allele origin: germline. Affected: no.

Genome-Nilou Lab
Classification: Benign for Autosomal recessive limb-girdle muscular dystrophy type 2J. Last evaluated: 2021-09-10. Review status: criteria provided, single submitter. Criteria: ACMG Guidelines, 2015. Collection method: clinical testing. Allele origin: germline. Affected: no.

Genome-Nilou Lab
Classification: Benign for Myopathy, myofibrillar, 9, with early respiratory failure. Last evaluated: 2021-09-10. Review status: criteria provided, single submitter. Criteria: ACMG Guidelines, 2015. Collection method: clinical testing. Allele origin: germline. Affected: no.

Genome-Nilou Lab
Classification: Benign for Early-onset myopathy with fatal cardiomyopathy. Last evaluated: 2021-09-10. Review status: criteria provided, single submitter. Criteria: ACMG Guidelines, 2015. Collection method: clinical testing. Allele origin: germline. Affected: no.

Genome-Nilou Lab
Classification: Benign for Tibial muscular dystrophy. Last evaluated: 2021-09-10. Review status: criteria provided, single submitter. Criteria: ACMG Guidelines, 2015. Collection method: clinical testing. Allele origin: germline. Affected: no.

Women's Health and Genetics/Laboratory Corporation of America, LabCorp
Classification: Benign. Last evaluated: 2019-08-19. Review status: criteria provided, single submitter. Criteria: LabCorp Variant Classification Summary - May 2015. Collection method: clinical testing. Allele origin: germline.

Illumina Laboratory Services, Illumina
Classification: Benign for Tibial muscular dystrophy. Last evaluated: 2018-01-13. Review status: criteria provided, single submitter. Criteria: ICSL Variant Classification Criteria 13 December 2019. Collection method: clinical testing. Allele origin: germline.
Comment: This variant was observed in the ICSL laboratory as part of a predisposition screen in an ostensibly healthy population. It had not been previously curated by ICSL or reported in the Human Gene Mutation Database (HGMD: prior to June 1st, 2018), and was therefore a candidate for classification through an automated scoring system. Utilizing variant allele frequency, disease prevalence and penetrance estimates, and inheritance mode, an automated score was calculated to assess if this variant is too frequent to cause the disease. Based on the score and internal cut-off values, a variant classified as benign is not then subjected to further curation. The score for this variant resulted in a classification of benign for this disease.

Illumina Laboratory Services, Illumina
Classification: Benign for Myopathy, myofibrillar, 9, with early respiratory failure. Last evaluated: 2018-01-13. Review status: criteria provided, single submitter. Criteria: ICSL Variant Classification Criteria 13 December 2019. Collection method: clinical testing. Allele origin: germline.
Comment: the same text as in the submission from Illumina Laboratory Services, Illumina above.

Illumina Laboratory Services, Illumina
Classification: Benign for Early-onset myopathy with fatal cardiomyopathy. Last evaluated: 2018-01-13. Review status: criteria provided, single submitter. Criteria: ICSL Variant Classification Criteria 13 December 2019. Collection method: clinical testing. Allele origin: germline.
Comment: the same text as in the submission from Illumina Laboratory Services, Illumina above.

Illumina Laboratory Services, Illumina
Classification: Benign for Autosomal recessive limb-girdle muscular dystrophy type 2J. Last evaluated: 2018-01-13. Review status: criteria provided, single submitter. Criteria: ICSL Variant Classification Criteria 13 December 2019. Collection method: clinical testing. Allele origin: germline.
Comment: the same text as in the submission from Illumina Laboratory Services, Illumina above.

Illumina Laboratory Services, Illumina
Classification: Benign for Dilated cardiomyopathy 1G. Last evaluated: 2018-01-13. Review status: criteria provided, single submitter. Criteria: ICSL Variant Classification Criteria 13 December 2019. Collection method: clinical testing. Allele origin: germline.
Comment: the same text as in the submission from Illumina Laboratory Services, Illumina above.

Mayo Clinic Laboratories, Mayo Clinic
Classification: Benign. Last evaluated: 2017-08-25. Review status: criteria provided, single submitter. Criteria: ACMG Guidelines, 2015. Collection method: clinical testing. Allele origin: germline. Observed: 662 variant alleles.

Eurofins Ntd Llc (ga)
Classification: Benign. Last evaluated: 2013-10-21. Review status: criteria provided, single submitter. Criteria: EGL Classification Definitions 2015. Collection method: clinical testing. Allele origin: germline. Observed: 1 variant allele, 1 heterozygote.

Genetic Services Laboratory, University of Chicago
Classification: Benign for AllHighlyPenetrant. Last evaluated: 2013-08-15. Review status: criteria provided, single submitter. Criteria: ACMG Guidelines, 2007. Collection method: clinical testing. Allele origin: germline.

Ambry Genetics
Classification: Benign for Cardiovascular phenotype. Last evaluated: 2013-01-16. Review status: criteria provided, single submitter. Criteria: Ambry Autosomal Dominant and X-Linked criteria (10/2015). Collection method: clinical testing. Allele origin: germline. Observed: 1 variant allele.

GeneDx
Classification: Benign. Last evaluated: 2012-10-31. Review status: criteria provided, single submitter. Criteria: GeneDx Variant Classification (06012015). Collection method: clinical testing. Allele origin: germline. Affected: yes.
Comment: This variant is considered likely benign or benign based on one or more of the following criteria: it is a conservative change, it occurs at a poorly conserved position in the protein, it is predicted to be benign by multiple in silico algorithms, and/or has population frequency not consistent with disease.

Laboratory for Molecular Medicine, Mass General Brigham Personalized Medicine
Classification: Benign. Last evaluated: 2012-04-11. Review status: criteria provided, single submitter. Criteria: LMM Criteria. Collection method: clinical testing. Allele origin: germline. Observed: 519 variant alleles.

Breakthrough Genomics
Classification: Benign. Review status: criteria provided, single submitter. Criteria: ACMG Guidelines, 2015. Collection method: not provided. Allele origin: germline. Inheritance: Autosomal recessive inheritance. Affected: yes.

PreventionGenetics, part of Exact Sciences
Classification: Benign. Review status: criteria provided, single submitter. Criteria: ACMG Guidelines, 2015. Collection method: clinical testing. Allele origin: germline.